The following is an entry in ClinVar:

NM_000094.4(COL7A1):c.5235G>C (p.Arg1745Ser)

Gene: COL7A1 (collagen type VII alpha 1 chain; minus strand). Cytogenetic location: 3p21.31.
Variant type: single nucleotide variant.
Coding change: c.5235G>C on transcript NM_000094.4 (MANE Select); coding-DNA position 5235, G replaced by C.
Protein change: p.Arg1745Ser; replaces arginine 1745 with serine.
Molecular consequence: missense variant.
Genome position (GRCh38, 1-based): chr3:48,579,588, C>G on the plus strand (G>C on the coding strand, the complement: COL7A1 is on the minus strand). VCF-style: chr3-48579588-C-G. GRCh37 (hg19) VCF-style: chr3-48617021-C-G.
Other names: short protein forms R1745S.
Identifiers: ClinVar variation 5041563 (VCV005041563.1).

ClinVar aggregate classification (germline): Uncertain significance (1 of 4 stars; one submission).

Submission:

CeGaT Center for Human Genetics Tuebingen
Classification: Uncertain significance. Last evaluated: 2026-09-01. Review status: criteria provided, single submitter. Criteria: CeGaT Center For Human Genetics Tuebingen Variant Classification Criteria Version 2. Collection method: clinical testing. Allele origin: germline. Affected: yes. Observed: 1 variant allele.
Comment: COL7A1: PM2